The following is an entry in ClinVar:

ClinVar aggregate classification (germline): Conflicting classifications of pathogenicity. Review status: criteria provided, conflicting classifications (1 of 4 stars). 2 submissions from 2 submitters: Uncertain significance (1); Benign (1). Last evaluated 2025-10-09.

Conditions:
Ehlers-Danlos syndrome, classic type, 1 (EDSCL1). Also called: Ehlers-Danlos Syndrome, Classic Type, COL5A1-Related; EDS I; Ehlers-Danlos syndrome, type 1; EHLERS-DANLOS SYNDROME, GRAVIS TYPE; EHLERS-DANLOS SYNDROME, SEVERE CLASSIC TYPE. Identifiers: MedGen C0268335, MONDO:0019567, OMIM 130000.

Allele frequency attached by ClinVar (database versions not stated): gnomAD 0.00003; TOPMed 0.00002; ExAC 0.00003.
gnomAD v4.1: 83 of 1,608,484 alleles (0.0052%); highest among the groups gnomAD compares: South Asian, 0.0067%; no homozygotes.

Submissions (2):

Labcorp Genetics (formerly Invitae), Labcorp
Classification: Benign for Ehlers-Danlos syndrome, classic type, 1. Last evaluated: 2025-10-09. Review status: criteria provided, single submitter. Criteria: Invitae Variant Classification Sherloc (09022015). Collection method: clinical testing. Allele origin: germline.

GeneDx
Classification: Uncertain significance. Last evaluated: 2019-08-05. Review status: criteria provided, single submitter. Criteria: GeneDx Variant Classification Process June 2021. Collection method: clinical testing. Allele origin: germline. Affected: yes.
Comment: Has not been previously published as pathogenic or benign to our knowledge; Not observed at a significant frequency in large population cohorts (Lek et al., 2016); Reported in ClinVar as a variant of uncertain significance (ClinVar Variant ID# 574014; Landrum et al., 2016); In silico analysis, which includes protein predictors and evolutionary conservation, supports a deleterious effect; Occurs in the triple helical domain at the Y position in the canonical Gly-X-Y repeat; although this variant may have an effect on normal protein folding and function, missense substitution at the Y position is not a common mechanism of disease (Symoens et al., 2012; Stenson et al., 2014)

NM_000093.5(COL5A1):c.3086C>T (p.Pro1029Leu)

Gene: COL5A1 (collagen type V alpha 1 chain; plus strand). Cytogenetic location: 9q34.3.
Variant type: single nucleotide variant.
Coding change: c.3086C>T on transcript NM_000093.5 (MANE Select); coding-DNA position 3086, C replaced by T.
Protein change: p.Pro1029Leu; replaces proline 1029 with leucine.
Molecular consequence: missense variant.
Genome position (GRCh38, 1-based): chr9:134,802,967, C>T. VCF-style: chr9-134802967-C-T. GRCh37 (hg19) VCF-style: chr9-137694813-C-T.
Other names: c.3086C>T, p.Pro1029Leu (NM_001278074.1); c.3086C>T (NM_000093.3); short protein forms P1029L.
Identifiers: ClinVar variation 574014 (VCV000574014.15), dbSNP rs768531108, ClinGen allele CA5319749.